The following is an entry in ClinVar:

NM_001378454.1(ALMS1):c.2333T>A (p.Leu778Ter)

Gene: ALMS1 (ALMS1 centrosome and basal body associated protein; plus strand). Cytogenetic location: 2p13.1.
Variant type: single nucleotide variant.
Coding change: c.2333T>A on transcript NM_001378454.1 (MANE Select); coding-DNA position 2333, T replaced by A.
Protein change: p.Leu778Ter; replaces leucine 778 with a stop codon.
Molecular consequence: nonsense.
Genome position (GRCh38, 1-based): chr2:73,448,860, T>A. VCF-style: chr2-73448860-T-A. GRCh37 (hg19) VCF-style: chr2-73675987-T-A.
Other names: c.2336T>A, p.Leu779Ter (NM_015120.4); short protein forms L778*, L779*.
Identifiers: ClinVar variation 1726626 (VCV001726626.2), dbSNP rs2466094345, ClinGen allele CA347269660.

ClinVar aggregate classification (germline): Likely pathogenic (1 of 4 stars; one submission).

Conditions:
Alstrom syndrome (ALMS). Identifiers: Orphanet 64, MedGen C0268425, MONDO:0008763, OMIM 203800.

Submission:

Myriad Genetics, Inc.
Classification: Likely pathogenic for Alstrom syndrome. Last evaluated: 2021-12-29. Review status: criteria provided, single submitter. Criteria: Myriad Women's Health Autosomal Recessive and X-Linked Classification Criteria (2021). Collection method: clinical testing. Allele origin: unknown.
Comment: NM_015120.4(ALMS1):c.2336T>A(L779*) is expected to be pathogenic in the context of Alstrom syndrome. This variant is predicted to lead to an abnormal or absent protein product due to the creation of a premature termination codon in ALMS1, a gene where loss-of-function variants are known to be pathogenic. Please note: this variant was assessed in the context of healthy population screening.